The following is an entry in ClinVar:

NM_001184.4(ATR):c.1232T>C (p.Ile411Thr)

Gene: ATR (ATR checkpoint kinase; minus strand). Cytogenetic location: 3q23.
Variant type: single nucleotide variant.
Coding change: c.1232T>C on transcript NM_001184.4 (MANE Select); coding-DNA position 1232, T replaced by C.
Protein change: p.Ile411Thr; replaces isoleucine 411 with threonine.
Molecular consequence: missense variant.
Genome position (GRCh38, 1-based): chr3:142,561,360, A>G on the plus strand (T>C on the coding strand, the complement: ATR is on the minus strand). VCF-style: chr3-142561360-A-G. GRCh37 (hg19) VCF-style: chr3-142280202-A-G.
Other names: c.1232T>C, p.Ile411Thr (NM_001354579.2); short protein forms I411T.
Identifiers: ClinVar variation 3221038 (VCV003221038.1), dbSNP rs2473421734, ClinGen allele CA354823365.
Genomic context (GRCh38, chr3:142,561,360, plus strand): 5'-CTTTTGGGTGATATTCCATCACTATTACTGCTGAGGTTTTCCTGTTGAGTTTGGCATTGA[A>G]TCTCCTCAATGATTTCCATACTTTCCATTTTCAAAGCTGCATAAAGTGGGCCCAACAAGT-3'
Protein context (NP_001175.2, residues 401-421): KMESMEIIEE[Ile411Thr]QCQTQQENLS

ClinVar aggregate classification (germline): Uncertain significance (1 of 4 stars; one submission).

Conditions:
Inborn genetic diseases. Identifiers: MedGen C0950123, MeSH D030342.

Submission:

Ambry Genetics
Classification: Uncertain significance for Inborn genetic diseases. Last evaluated: 2024-02-25. Review status: criteria provided, single submitter. Criteria: Ambry Variant Classification Scheme 2023. Collection method: clinical testing. Allele origin: germline.
Comment: The p.I411T variant (also known as c.1232T>C), located in coding exon 5 of the ATR gene, results from a T to C substitution at nucleotide position 1232. The isoleucine at codon 411 is replaced by threonine, an amino acid with similar properties. This amino acid position is conserved. In addition, this alteration is predicted to be tolerated by in silico analysis. Based on the available evidence, the clinical significance of this alteration remains unclear.